The following is an entry in ClinVar:

NM_016592.5(GNAS):c.354_365del (p.Ile119_Glu122del)

Genes: GNAS (GNAS complex locus; plus strand), GNAS-AS1 (GNAS antisense RNA 1; minus strand). Cytogenetic location: 20q13.32.
Variant type: Deletion.
Coding change: c.354_365del on transcript NM_016592.5 (MANE Plus Clinical); coding-DNA positions 354 to 365, 12 bases deleted (AATCGAGTCCGA).
Protein change: p.Ile119_Glu122del.
Molecular consequence: inframe deletion. On other transcripts: 5 prime UTR variant (1).
Genome position (GRCh38, 1-based): chr20:58,840,460-58,840,471, AATCGAGTCCGA deleted; deleting any 12 consecutive bases within chr20:58,840,451-58,840,471 gives the same sequence; the c. name uses the placement nearest the transcript's 3' end. VCF-style (leftmost placement, unchanged base first): chr20-58840450-CCGAGTCCGAAAT-C. GRCh37 (hg19) VCF-style: chr20-57415505-CCGAGTCCGAAAT-C.
Other names: c.-384_-373del (NM_001410912.1).
Identifiers: ClinVar variation 134488 (VCV000134488.7), dbSNP rs587778387, ClinGen allele CA159952.

ClinVar aggregate classification (germline): Uncertain significance. Review status: criteria provided, single submitter (1 of 4 stars). 2 submissions from 2 submitters: Uncertain significance (1). 1 of the submissions does not count toward it. Last evaluated 2025-06-23.

Conditions:
GNAS-related disorder. Identifiers: MedGen CN380105.

Submissions (2):

PreventionGenetics, part of Exact Sciences
Classification: Uncertain significance for GNAS-related condition. Last evaluated: 2025-06-23. Review status: criteria provided, single submitter. Criteria: ACMG Guidelines, 2015. Collection method: clinical testing. Allele origin: germline.
Comment: The GNAS c.354_365del12 variant is predicted to result in an in-frame deletion (p.Ile119_Glu122del). In the primary GNAS transcript (NM_000516.5), this variant is found within a pre-coding region (c.-51267_-51256del12). To our knowledge, this variant has not been reported in the literature. This variant is reported in 0.0056% of alleles in individuals of Latino descent in gnomAD. At this time, the clinical significance of this variant is uncertain due to the absence of conclusive functional and genetic evidence.

ITMI
No classification provided. Condition: AllHighlyPenetrant. Last evaluated: 2013-09-19. Review status: no classification provided. Collection method: reference population. Allele origin: germline. Not counted in ClinVar's aggregate classification.
Comment: Please see associated publication for description of ethnicities

Literature cited by the submitters: PubMed 24728327 (cited by ITMI).